The following is an entry in ClinVar:

ClinVar aggregate classification (germline): Uncertain significance (1 of 4 stars; one submission).

Conditions:
Hereditary cancer-predisposing syndrome. Also called: Hereditary Cancer Syndrome; Neoplastic Syndromes, Hereditary; Tumor predisposition; Hereditary neoplastic syndrome. Identifiers: Orphanet 140162, MedGen C0027672, MeSH D009386, MONDO:0015356.

Submission:

Ambry Genetics
Classification: Uncertain significance for Hereditary cancer-predisposing syndrome. Last evaluated: 2026-07-07. Review status: criteria provided, single submitter. Criteria: Ambry Variant Classification Scheme 2023. Collection method: clinical testing. Allele origin: germline.
Comment: The p.L681R variant (also known as c.2042T>G), located in coding exon 16 of the EGFR gene, results from a T to G substitution at nucleotide position 2042. The leucine at codon 681 is replaced by arginine, an amino acid with dissimilar properties. This amino acid position is conserved. In addition, this alteration is predicted to be tolerated by in silico analysis. Based on the available evidence, the clinical significance of this variant remains unclear.

NM_005228.5(EGFR):c.1881-707T>G

Gene: EGFR (epidermal growth factor receptor; plus strand). Cytogenetic location: 7p11.2.
Variant type: single nucleotide variant.
Coding change: c.1881-707T>G on transcript NM_005228.5 (MANE Select); 707 bases into the intron before coding-DNA position 1881, T replaced by G.
Molecular consequence: intron variant. On other transcripts: missense variant (1).
Genome position (GRCh38, 1-based): chr7:55,170,468, T>G. VCF-style: chr7-55170468-T-G. GRCh37 (hg19) VCF-style: chr7-55238161-T-G.
Other names: c.2042T>G, p.Leu681Arg (NM_201284.2); c.1746-707T>G (NM_001346899.2, NM_001346897.2); c.1080-707T>G (NM_001346941.2); c.1881-707T>G (NM_001346898.2); c.1722-707T>G (NM_001346900.2); short protein forms L681R.
Identifiers: ClinVar variation 5035754 (VCV005035754.1).
Genomic context (GRCh38, chr7:55,170,468, plus strand): 5'-CAGCTGCTCAGGAGTCATGCTTAGGATGGATCCCTTCTCTTCTGCCGTCAGAGTTTCAGC[T>G]GGGTTGGGGTGGATGCAGCCACCTCCATGCCTGGCCTTCTGCATCTGTGATCATCACGGC-3'